The following is an entry in ClinVar:

NM_001368882.1(COL13A1):c.1798-1G>T

Gene: COL13A1 (collagen type XIII alpha 1 chain; plus strand). Cytogenetic location: 10q22.1.
Variant type: single nucleotide variant.
Coding change: c.1798-1G>T on transcript NM_001368882.1 (MANE Select); the canonical splice acceptor site of the intron before coding-DNA position 1798, G replaced by T.
Molecular consequence: splice acceptor variant.
Genome position (GRCh38, 1-based): chr10:69,937,634, G>T. VCF-style: chr10-69937634-G-T. GRCh37 (hg19) VCF-style: chr10-71697390-G-T.
Other names: c.1690-1G>T (NM_001320951.2); c.1648-1G>T (NM_001368884.1); c.1765-1G>T (NM_001130103.2); c.1699-1G>T (NM_080801.4); c.1654-1G>T (NM_080802.4); c.1708-1G>T (NM_080800.4); c.1090-1G>T (NM_001368886.1); c.1675-1G>T (NM_001368883.1); and 7 more.
Identifiers: ClinVar variation 2820341 (VCV002820341.3), dbSNP rs1415756232, ClinGen allele CA376932250.
Genomic context (GRCh38, chr10:69,937,634, plus strand): 5'-CAAGAATGAATTGTCTGGGACATGTCCTTGTGTGATCTCGTCCCCTCTCCCTTTCCTCCA[G>T]GGGGAAGCAGGACTAGATGGAGCAAAAGGAGAGAAAGGCTTCCAGGGAGAAAAAGGAGAC-3'

ClinVar aggregate classification (germline): Likely pathogenic (1 of 4 stars; one submission).

Submission:

Labcorp Genetics (formerly Invitae), Labcorp
Classification: Likely pathogenic. Last evaluated: 2022-12-12. Review status: criteria provided, single submitter. Criteria: Invitae Variant Classification Sherloc (09022015). Collection method: clinical testing. Allele origin: germline.
Comment: This variant has not been reported in the literature in individuals affected with COL13A1-related conditions. This variant is not present in population databases (gnomAD no frequency). This sequence change affects an acceptor splice site in intron 32 of the COL13A1 gene. It is expected to disrupt RNA splicing. Variants that disrupt the donor or acceptor splice site typically lead to a loss of protein function (PMID: 16199547), and loss-of-function variants in COL13A1 are known to be pathogenic (PMID: 26626625). Algorithms developed to predict the effect of sequence changes on RNA splicing suggest that this variant may disrupt the consensus splice site. In summary, the currently available evidence indicates that the variant is pathogenic, but additional data are needed to prove that conclusively. Therefore, this variant has been classified as Likely Pathogenic.

Literature cited by the submitters: PubMed 16199547; PubMed 26626625.